The following is an entry in ClinVar:

NM_006218.4(PIK3CA):c.1256A>G (p.His419Arg)

Gene: PIK3CA (phosphatidylinositol-4,5-bisphosphate 3-kinase catalytic subunit alpha; plus strand). Cytogenetic location: 3q26.32.
Variant type: single nucleotide variant.
Coding change: c.1256A>G on transcript NM_006218.4 (MANE Select); coding-DNA position 1256, A replaced by G.
Protein change: p.His419Arg; replaces histidine 419 with arginine.
Molecular consequence: missense variant.
Genome position (GRCh38, 1-based): chr3:179,210,190, A>G. VCF-style: chr3-179210190-A-G. GRCh37 (hg19) VCF-style: chr3-178927978-A-G.
Other names: short protein forms H419R.
Identifiers: ClinVar variation 3029825 (VCV003029825.2), dbSNP rs2108400126, ClinGen allele CA355261546.

ClinVar aggregate classification (germline): Uncertain significance (0 of 4 stars; one submission).

Conditions:
PIK3CA-related disorder. Also called: PIK3CA-related condition; PIK3CA-related disorders; PIK3CA- related disease.

Submission:

PreventionGenetics, part of Exact Sciences
Classification: Uncertain significance for PIK3CA-related condition. Last evaluated: 2023-12-15. Review status: no assertion criteria provided. Collection method: clinical testing. Allele origin: germline.
Comment: The PIK3CA c.1256A>G variant is predicted to result in the amino acid substitution p.His419Arg. To our knowledge, this variant has not been reported in the literature or in a large population database, indicating this variant is rare. At this time, the clinical significance of this variant is uncertain due to the absence of conclusive functional and genetic evidence.